The following is an entry in ClinVar:

ClinVar aggregate classification (germline): Likely benign. Review status: criteria provided, multiple submitters, no conflicts (2 of 4 stars). 3 submissions from 3 submitters: Likely benign (3). Last evaluated 2026-01-19.

Conditions:
Glycogen storage disease type III (GSD3). Also called: FORBES DISEASE; Cori disease. Identifiers: Orphanet 366, MedGen C0017922, MONDO:0009291, OMIM 232400.

gnomAD v4.1: 95 of 1,613,776 alleles (0.0059%); highest among the groups gnomAD compares: Non-Finnish European, 0.0073%; no homozygotes.

Submissions (3):

Labcorp Genetics (formerly Invitae), Labcorp
Classification: Likely benign for Glycogen storage disease type III. Last evaluated: 2026-01-19. Review status: criteria provided, single submitter. Criteria: Invitae Variant Classification Sherloc (09022015). Collection method: clinical testing. Allele origin: germline.

Mayo Clinic Laboratories, Mayo Clinic
Classification: Likely benign. Last evaluated: 2025-07-16. Review status: criteria provided, single submitter. Criteria: ACMG Guidelines, 2015. Collection method: clinical testing. Allele origin: germline. Observed: 1 variant allele.
Comment: BP4, BP7, PM2_supporting

Blueprint Genetics
Classification: Likely benign. Last evaluated: 2024-01-17. Review status: criteria provided, single submitter. Criteria: ACMG Guidelines, 2015. Collection method: clinical testing. Allele origin: germline.

NM_000642.3(AGL):c.1875G>C (p.Thr625=)

Gene: AGL (amylo-alpha-1,6-glucosidase and 4-alpha-glucanotransferase; plus strand). Cytogenetic location: 1p21.2.
Variant type: single nucleotide variant.
Coding change: c.1875G>C on transcript NM_000642.3 (MANE Select); coding-DNA position 1875, G replaced by C.
Protein change: p.Thr625=; no amino-acid change (threonine 625 retained).
Molecular consequence: synonymous variant.
Genome position (GRCh38, 1-based): chr1:99,880,771, G>C. VCF-style: chr1-99880771-G-C. GRCh37 (hg19) VCF-style: chr1-100346327-G-C.
Other names: p.Thr625=; c.1875G>C, p.Thr625= (NM_000028.3, NM_000643.3, NM_000644.3 and 2 more transcripts); c.1827G>C, p.Thr609= (NM_000646.3); c.1674G>C, p.Thr558= (NM_001425327.1); c.1671G>C, p.Thr557= (NM_001425328.1, NM_001425329.1); c.1497G>C, p.Thr499= (NM_001425332.1).
Identifiers: ClinVar variation 1128151 (VCV001128151.11), dbSNP rs141944878, ClinGen allele CA966611.